The following is an entry in ClinVar:

ClinVar aggregate classification (germline): Uncertain significance. Review status: criteria provided, multiple submitters, no conflicts (2 of 4 stars). 2 submissions from 2 submitters: Uncertain significance (2). Last evaluated 2024-12-30.

Allele frequency attached by ClinVar (database versions not stated): ExAC 0.00003; gnomAD exomes 0.00003 and 0.00005; gnomAD 0.00012 and 0.00013; TOPMed 0.00014; 1000 Genomes Project 0.00020; ESP Exome Variant Server 0.00023; 1000 Genomes Project 30x 0.00031.
gnomAD v4.1: 86 of 1,614,146 alleles (0.0053%); highest among the groups gnomAD compares: African/African-American, 0.044%; no homozygotes.

Submissions (2):

GeneDx
Classification: Uncertain significance. Last evaluated: 2024-12-30. Review status: criteria provided, single submitter. Criteria: GeneDx Variant Classification Process June 2021. Collection method: clinical testing. Allele origin: germline.
Comment: In silico analysis supports that this missense variant has a deleterious effect on protein structure/function; Has not been previously published as pathogenic or benign to our knowledge

Labcorp Genetics (formerly Invitae), Labcorp
Classification: Uncertain significance. Last evaluated: 2022-07-11. Review status: criteria provided, single submitter. Criteria: Invitae Variant Classification Sherloc (09022015). Collection method: clinical testing. Allele origin: germline.
Comment: This sequence change replaces arginine, which is basic and polar, with cysteine, which is neutral and slightly polar, at codon 625 of the PTPN23 protein (p.Arg625Cys). This variant is present in population databases (rs143731594, gnomAD 0.03%). This variant has not been reported in the literature in individuals affected with PTPN23-related conditions. ClinVar contains an entry for this variant (Variation ID: 1421249). Algorithms developed to predict the effect of missense changes on protein structure and function are either unavailable or do not agree on the potential impact of this missense change (SIFT: "Deleterious"; PolyPhen-2: "Not Available"; Align-GVGD: "Class C0"). In summary, the available evidence is currently insufficient to determine the role of this variant in disease. Therefore, it has been classified as a Variant of Uncertain Significance.

NM_015466.4(PTPN23):c.1873C>T (p.Arg625Cys)

Gene: PTPN23 (protein tyrosine phosphatase non-receptor type 23; plus strand). Cytogenetic location: 3p21.31.
Variant type: single nucleotide variant.
Coding change: c.1873C>T on transcript NM_015466.4 (MANE Select); coding-DNA position 1873, C replaced by T.
Protein change: p.Arg625Cys; replaces arginine 625 with cysteine.
Molecular consequence: missense variant.
Genome position (GRCh38, 1-based): chr3:47,409,492, C>T. VCF-style: chr3-47409492-C-T. GRCh37 (hg19) VCF-style: chr3-47450982-C-T.
Other names: c.1495C>T, p.Arg499Cys (NM_001304482.2); c.1873C>T (NM_015466.2); short protein forms R625C, R499C.
Identifiers: ClinVar variation 1421249 (VCV001421249.5), dbSNP rs143731594, ClinGen allele CA2365843.